The following is an entry in ClinVar:

ClinVar aggregate classification (germline): Uncertain significance. Review status: criteria provided, multiple submitters, no conflicts (2 of 4 stars). 2 submissions from 2 submitters: Uncertain significance (2). Last evaluated 2025-02-08.

Conditions:
Inborn genetic diseases. Identifiers: MedGen C0950123, MeSH D030342.

Allele frequency attached by ClinVar (database versions not stated): gnomAD exomes 0.00001 and 0.00005; ExAC 0.00006; gnomAD 0.00019 and 0.00021; TOPMed 0.00020.
gnomAD v4.1: 47 of 1,614,002 alleles (0.0029%); highest among the groups gnomAD compares: African/African-American, 0.059%; no homozygotes.

Submissions (2):

Ambry Genetics
Classification: Uncertain significance for Inborn genetic diseases. Last evaluated: 2025-02-08. Review status: criteria provided, single submitter. Criteria: Ambry Variant Classification Scheme 2023. Collection method: clinical testing. Allele origin: germline.

GeneDx
Classification: Uncertain significance. Last evaluated: 2021-04-13. Review status: criteria provided, single submitter. Criteria: GeneDx Variant Classification Process June 2021. Collection method: clinical testing. Allele origin: germline. Affected: yes.
Comment: In silico analysis supports that this missense variant does not alter protein structure/function; Has not been previously published as pathogenic or benign to our knowledge

NM_022081.6(HPS4):c.1387A>G (p.Arg463Gly)

Gene: HPS4 (HPS4 biogenesis of lysosomal organelles complex 3 subunit 2; minus strand). Cytogenetic location: 22q12.1.
Variant type: single nucleotide variant.
Coding change: c.1387A>G on transcript NM_022081.6 (MANE Select); coding-DNA position 1387, A replaced by G.
Protein change: p.Arg463Gly; replaces arginine 463 with glycine.
Molecular consequence: missense variant. On other transcripts: non-coding transcript variant (8).
Genome position (GRCh38, 1-based): chr22:26,464,243, T>C on the plus strand (A>G on the coding strand, the complement: HPS4 is on the minus strand). VCF-style: chr22-26464243-T-C. GRCh37 (hg19) VCF-style: chr22-26860209-T-C.
Other names: c.1387A>G, p.Arg463Gly (NM_001349896.1, NM_001349898.2, NM_001349899.2 and 4 more transcripts); c.1441A>G, p.Arg481Gly (NM_001349900.2, NM_001349901.1); c.1372A>G, p.Arg458Gly (NM_152841.2); c.1387A>G (NM_022081.4); short protein forms R458G, R463G, R481G.
Identifiers: ClinVar variation 1189477 (VCV001189477.3), dbSNP rs778998363, ClinGen allele CA10163337.